The following is an entry in ClinVar:

NM_004082.5(DCTN1):c.2753C>A (p.Pro918His)

Gene: DCTN1 (dynactin subunit 1; minus strand). Cytogenetic location: 2p13.1.
Variant type: single nucleotide variant.
Coding change: c.2753C>A on transcript NM_004082.5 (MANE Select); coding-DNA position 2753, C replaced by A.
Protein change: p.Pro918His; replaces proline 918 with histidine.
Molecular consequence: missense variant. On other transcripts: non-coding transcript variant (1).
Genome position (GRCh38, 1-based): chr2:74,366,251, G>T on the plus strand (C>A on the coding strand, the complement: DCTN1 is on the minus strand). VCF-style: chr2-74366251-G-T. GRCh37 (hg19) VCF-style: chr2-74593378-G-T.
Other names: c.2693C>A, p.Pro898His (NM_001135040.3); c.2351C>A, p.Pro784His (NM_001135041.3, NM_023019.4); c.2642C>A, p.Pro881His (NM_001190836.2); c.2732C>A, p.Pro911His (NM_001190837.2); c.2702C>A, p.Pro901His (NM_001378991.1); c.2684C>A, p.Pro895His (NM_001378992.1); short protein forms P784H, P881H, P918H, P911H, P898H, P895H, P901H.
Identifiers: ClinVar variation 337079 (VCV000337079.13), dbSNP rs771075973, ClinGen allele CA1721748.
Genomic context (GRCh38, chr2:74,366,251, plus strand): 5'-CAAGTCTTACTCCTACAGGCCTCTGCAACTTCTCCAAGGAAATCTCCACCTACCTTGCTG[G>T]GGGGCCGCTCTGCATCATACTCCCCCTCCTGCATGGCTGTGGCCAGCTTGTTCATGGTAC-3'
Protein context (NP_004073.2, residues 908-928): QEGEYDAERP[Pro918His]SKPPPVELRA

ClinVar aggregate classification (germline): Conflicting classifications of pathogenicity. Review status: criteria provided, conflicting classifications (1 of 4 stars). 4 submissions from 3 submitters: Uncertain significance (3); Likely benign (1). Last evaluated 2021-08-12.

Conditions:
Neuronopathy, distal hereditary motor, type 7B. Also called: HMN VIIB; LOWER MOTOR NEURON DISEASE, DYNACTIN TYPE; NEURONOPATHY, DISTAL HEREDITARY MOTOR, AUTOSOMAL DOMINANT 14; NEURONOPATHY, DISTAL HEREDITARY MOTOR, HARDING TYPE VIIB; NEUROPATHY, DISTAL HEREDITARY MOTOR, HARDING TYPE VIIB; NEUROPATHY, DISTAL HEREDITARY MOTOR, WITH VOCAL CORD PARALYSIS, HARDING TYPE VIIB. Identifiers: Orphanet 139589, MedGen C1843315, MONDO:0011879, OMIM 607641.
Amyotrophic lateral sclerosis type 1 (ALS1). Also called: AMYOTROPHIC LATERAL SCLEROSIS 1, FAMILIAL. Identifiers: Orphanet 803, MedGen C1862939, MONDO:0007103, OMIM 105400.
Perry syndrome. Also called: PARKINSONISM WITH ALVEOLAR HYPOVENTILATION AND MENTAL DEPRESSION. Identifiers: Orphanet 178509, MedGen C1868594, MONDO:0008201, OMIM 168605.
Inborn genetic diseases. Identifiers: MedGen C0950123, MeSH D030342.

Allele frequency attached by ClinVar (database versions not stated): ExAC 0.00001; TOPMed 0.00001; gnomAD exomes 0.00002.
gnomAD v4.1: 6 of 1,614,098 alleles (0.00037%); highest among the groups gnomAD compares: Admixed American, 0.01%; no homozygotes.

Submissions (4):

Ambry Genetics
Classification: Likely benign for Inborn genetic diseases. Last evaluated: 2021-08-12. Review status: criteria provided, single submitter. Criteria: Ambry Variant Classification Scheme 2023. Collection method: clinical testing. Allele origin: germline.

Labcorp Genetics (formerly Invitae), Labcorp
Classification: Uncertain significance for Amyotrophic lateral sclerosis type 1; Neuronopathy, distal hereditary motor, type 7B; Perry syndrome. Last evaluated: 2021-06-16. Review status: criteria provided, single submitter. Criteria: Invitae Variant Classification Sherloc (09022015). Collection method: clinical testing. Allele origin: germline.
Comment: This variant is present in population databases (rs771075973, ExAC 0.009%). In summary, the available evidence is currently insufficient to determine the role of this variant in disease. Therefore, it has been classified as a Variant of Uncertain Significance. Algorithms developed to predict the effect of missense changes on protein structure and function are either unavailable or do not agree on the potential impact of this missense change (SIFT: "Deleterious"; PolyPhen-2: "Benign"; Align-GVGD: "Class C65"). This variant has not been reported in the literature in individuals with DCTN1-related conditions. ClinVar contains an entry for this variant (Variation ID: 337079). This sequence change replaces proline with histidine at codon 918 of the DCTN1 protein (p.Pro918His). The proline residue is highly conserved and there is a moderate physicochemical difference between proline and histidine.

Illumina Laboratory Services, Illumina
Classification: Uncertain significance for Neuronopathy, distal hereditary motor, type 7B. Last evaluated: 2018-01-12. Review status: criteria provided, single submitter. Criteria: ICSL Variant Classification Criteria 13 December 2019. Collection method: clinical testing. Allele origin: germline.

Illumina Laboratory Services, Illumina
Classification: Uncertain significance for Perry syndrome. Last evaluated: 2018-01-12. Review status: criteria provided, single submitter. Criteria: ICSL Variant Classification Criteria 13 December 2019. Collection method: clinical testing. Allele origin: germline.